The following is an entry in ClinVar:

NM_001270.4(CHD1):c.2502A>C (p.Leu834Phe)

Gene: CHD1 (chromodomain helicase DNA binding protein 1; minus strand). Cytogenetic location: 5q15.
Variant type: single nucleotide variant.
Coding change: c.2502A>C on transcript NM_001270.4 (MANE Select); coding-DNA position 2502, A replaced by C.
Protein change: p.Leu834Phe; replaces leucine 834 with phenylalanine.
Molecular consequence: missense variant. On other transcripts: non-coding transcript variant (2).
Genome position (GRCh38, 1-based): chr5:98,885,644, T>G on the plus strand (A>C on the coding strand, the complement: CHD1 is on the minus strand). VCF-style: chr5-98885644-T-G. GRCh37 (hg19) VCF-style: chr5-98221348-T-G.
Other names: c.2502A>C, p.Leu834Phe (NM_001364113.3, NM_001376194.2); short protein forms L834F.
Identifiers: ClinVar variation 4527269 (VCV004527269.2).
Genomic context (GRCh38, chr5:98,885,644, plus strand): 5'-TCCCTCAGCATTAAAATGATCTAGAGCTTGTTTCCTCAGTTCTCCTTTTATTGATCCATC[T>G]AATCTCTAGAAAAAAACACATTAAAATACTGCATAAACAGAATCAAAGTATTACAAAGCA-3'
Protein context (NP_001261.2, residues 824-844): LKYRQFPFQR[Leu834Phe]DGSIKGELRK

ClinVar aggregate classification (germline): Uncertain significance (1 of 4 stars; one submission).

Submission:

GeneDx
Classification: Uncertain significance. Last evaluated: 2026-08-18. Review status: criteria provided, single submitter. Criteria: GeneDx Variant Classification Process June 2021. Collection method: clinical testing. Allele origin: germline.
Comment: Not observed at significant frequency in large population cohorts (gnomAD); In silico analysis supports that this missense variant has a deleterious effect on protein structure/function; Has not been previously published as pathogenic or benign to our knowledge